The following is an entry in ClinVar:

NM_001540.5(HSPB1):c.19C>G (p.Pro7Ala)

Gene: HSPB1 (heat shock protein family B (small) member 1; plus strand). Cytogenetic location: 7q11.23.
Variant type: single nucleotide variant.
Coding change: c.19C>G on transcript NM_001540.5 (MANE Select); coding-DNA position 19, C replaced by G.
Protein change: p.Pro7Ala; replaces proline 7 with alanine.
Molecular consequence: missense variant.
Genome position (GRCh38, 1-based): chr7:76,302,731, C>G. VCF-style: chr7-76302731-C-G. GRCh37 (hg19) VCF-style: chr7-75932048-C-G.
Other names: short protein forms P7A.
Identifiers: ClinVar variation 2684230 (VCV002684230.1), dbSNP rs1563651698, ClinGen allele CA367762686.
Genomic context (GRCh38, chr7:76,302,731, plus strand): 5'-CCGCACTTTTCTGAGCAGACGTCCAGAGCAGAGTCAGCCAGCATGACCGAGCGCCGCGTC[C>G]CCTTCTCGCTCCTGCGGGGCCCCAGCTGGGACCCCTTCCGCGACTGGTACCCGCATAGCC-3'
Protein context (NP_001531.1, residues 1-17): MTERRV[Pro7Ala]FSLLRGPSWD

ClinVar aggregate classification (germline): Uncertain significance (1 of 4 stars; one submission).

Submission:

Athena Diagnostics
Classification: Uncertain significance. Last evaluated: 2023-07-17. Review status: criteria provided, single submitter. Criteria: Athena Diagnostics Criteria. Collection method: clinical testing. Allele origin: unknown.
Comment: Available data are insufficient to determine the clinical significance of the variant at this time. This variant has not been reported in large, multi-ethnic general populations. Computational tools predict that this variant is damaging.